The following is an entry in ClinVar:

ClinVar aggregate classification (germline): Likely benign. Review status: criteria provided, multiple submitters, no conflicts (2 of 4 stars). 2 submissions from 2 submitters: Likely benign (2). Last evaluated 2024-10-01.

Conditions:
Epidermodysplasia verruciformis. Identifiers: Orphanet 302, MedGen C0014522, MONDO:0009176.

Allele frequency attached by ClinVar (database versions not stated): gnomAD 0.00001; gnomAD exomes 0.00001; TOPMed 0.00001; ExAC 0.00006.
gnomAD v4.1: 23 of 1,603,884 alleles (0.0014%); highest among the groups gnomAD compares: African/African-American, 0.011%; no homozygotes.

Submissions (2):

CeGaT Center for Human Genetics Tuebingen
Classification: Likely benign. Last evaluated: 2024-10-01. Review status: criteria provided, single submitter. Criteria: CeGaT Center For Human Genetics Tuebingen Variant Classification Criteria Version 2. Collection method: clinical testing. Allele origin: germline. Affected: yes. Observed: 1 variant allele.
Comment: TMC6: BP4, BP7

Labcorp Genetics (formerly Invitae), Labcorp
Classification: Likely benign for Epidermodysplasia verruciformis. Last evaluated: 2024-07-19. Review status: criteria provided, single submitter. Criteria: Invitae Variant Classification Sherloc (09022015). Collection method: clinical testing. Allele origin: germline.

NM_001127198.5(TMC6):c.1914G>A (p.Ala638=)

Gene: TMC6 (transmembrane channel like 6; minus strand). Cytogenetic location: 17q25.3.
Variant type: single nucleotide variant.
Coding change: c.1914G>A on transcript NM_001127198.5 (MANE Select); coding-DNA position 1914, G replaced by A.
Protein change: p.Ala638=; no amino-acid change (alanine 638 retained).
Molecular consequence: synonymous variant. On other transcripts: non-coding transcript variant (4).
Genome position (GRCh38, 1-based): chr17:78,117,909, C>T on the plus strand (G>A on the coding strand, the complement: TMC6 is on the minus strand). VCF-style: chr17-78117909-C-T. GRCh37 (hg19) VCF-style: chr17-76113990-C-T.
Other names: c.1914G>A, p.Ala638= (NM_001321185.1, NM_001374596.1, NM_001375353.1 and 2 more transcripts); c.1734G>A, p.Ala578= (NM_001374593.1, NM_001374594.1).
Identifiers: ClinVar variation 2985480 (VCV002985480.17), dbSNP rs751492239, ClinGen allele CA8795499.